The following is an entry in ClinVar:

ClinVar aggregate classification (germline): Uncertain significance (1 of 4 stars; one submission).

Conditions:
DNAH10-related disorder. Also called: DNAH10-related condition.

gnomAD v4.1: 77 of 1,613,988 alleles (0.0048%); highest among the groups gnomAD compares: South Asian, 0.065%; no homozygotes.

Submission:

PreventionGenetics, part of Exact Sciences
Classification: Uncertain significance for DNAH10-related condition. Last evaluated: 2025-09-19. Review status: criteria provided, single submitter. Criteria: ACMG Guidelines, 2015. Collection method: clinical testing. Allele origin: germline.
Comment: The DNAH10 c.7940C>T variant is predicted to result in the amino acid substitution p.Pro2647Leu. To our knowledge, this variant has not been reported in the literature. This variant is reported in 0.059% of alleles in individuals of South Asian descent in gnomAD. At this time, the clinical significance of this variant is uncertain due to the absence of conclusive functional and genetic evidence.

NM_001372106.1(DNAH10):c.8294C>T (p.Pro2765Leu)

Gene: DNAH10 (dynein axonemal heavy chain 10; plus strand). Cytogenetic location: 12q24.31.
Variant type: single nucleotide variant.
Coding change: c.8294C>T on transcript NM_001372106.1 (MANE Select); coding-DNA position 8294, C replaced by T.
Protein change: p.Pro2765Leu; replaces proline 2765 with leucine.
Molecular consequence: missense variant.
Genome position (GRCh38, 1-based): chr12:123,877,830, C>T. VCF-style: chr12-123877830-C-T. GRCh37 (hg19) VCF-style: chr12-124362377-C-T.
Other names: c.7940C>T, p.Pro2647Leu (NM_207437.3); short protein forms P2647L, P2765L.
Identifiers: ClinVar variation 4980462 (VCV004980462.1).